The following is an entry in ClinVar:

NM_001242896.3(DEPDC5):c.3500T>C (p.Val1167Ala)

Gene: DEPDC5 (DEP domain containing 5, GATOR1 subcomplex subunit; plus strand). Cytogenetic location: 22q12.3.
Variant type: single nucleotide variant.
Coding change: c.3500T>C on transcript NM_001242896.3 (MANE Select); coding-DNA position 3500, T replaced by C.
Protein change: p.Val1167Ala; replaces valine 1167 with alanine.
Molecular consequence: missense variant. On other transcripts: non-coding transcript variant (4).
Genome position (GRCh38, 1-based): chr22:31,873,269, T>C. VCF-style: chr22-31873269-T-C. GRCh37 (hg19) VCF-style: chr22-32269255-T-C.
Other names: c.3473T>C, p.Val1158Ala (NM_001136029.4); c.3200T>C, p.Val1067Ala (NM_001242897.2); c.3434T>C, p.Val1145Ala (NM_001363852.2, NM_001364320.2); c.3266T>C, p.Val1089Ala (NM_001363854.2, NM_001364319.2); c.3500T>C, p.Val1167Ala (NM_001364318.2); c.3416T>C, p.Val1139Ala (NM_001369901.1, NM_001369902.1); c.3407T>C, p.Val1136Ala (NM_001369903.1, NM_014662.6); short protein forms V1067A, V1089A, V1136A, V1139A, V1145A, V1158A, V1167A.
Identifiers: ClinVar variation 2576818 (VCV002576818.1), dbSNP rs2522341672, ClinGen allele CA411277231.
Genomic context (GRCh38, chr22:31,873,269, plus strand): 5'-GCATACGTGCCATCTTGCTTTGCTGACCTGACACCCTGTGTTACAGCTCTCAGCAGCTGG[T>C]GGCAAGCTCCTTGACCTCATCCTCTACCCTGACAGAGATCCTGGAAGCCATGAAGCACCC-3'
Protein context (NP_001229825.1, residues 1157-1177): NSSDSSSQQL[Val1167Ala]ASSLTSSSTL

ClinVar aggregate classification (germline): Uncertain significance (1 of 4 stars; one submission).

Allele frequency attached by ClinVar (database versions not stated): gnomAD exomes below 0.00001.
gnomAD v4.1: 3 of 1,614,132 alleles (0.00019%); highest among the groups gnomAD compares: African/African-American, 0.004%; no homozygotes.

Submission:

GeneDx
Classification: Uncertain significance. Last evaluated: 2023-02-15. Review status: criteria provided, single submitter. Criteria: GeneDx Variant Classification Process June 2021. Collection method: clinical testing. Allele origin: germline. Affected: yes.
Comment: Not observed at significant frequency in large population cohorts (gnomAD); In silico analysis supports that this missense variant does not alter protein structure/function; Has not been previously published as pathogenic or benign to our knowledge